The following is an entry in ClinVar:

NM_001023.4(RPS20):c.3+3G>A

Gene: RPS20 (ribosomal protein S20; minus strand). Cytogenetic location: 8q12.1.
Variant type: single nucleotide variant.
Coding change: c.3+3G>A on transcript NM_001023.4 (MANE Select); 3 bases into the intron after coding-DNA position 3, G replaced by A.
Molecular consequence: intron variant.
Genome position (GRCh38, 1-based): chr8:56,074,378, C>T on the plus strand (G>A on the coding strand, the complement: RPS20 is on the minus strand). VCF-style: chr8-56074378-C-T. GRCh37 (hg19) VCF-style: chr8-56986937-C-T.
Other names: c.3+3G>A (NM_001146227.3).
Identifiers: ClinVar variation 4863493 (VCV004863493.2).

ClinVar aggregate classification (germline): Conflicting classifications of pathogenicity. Review status: criteria provided, conflicting classifications (1 of 4 stars). 2 submissions from 2 submitters: Uncertain significance (1); Likely benign (1). Last evaluated 2026-07-31.

Conditions:
Familial colorectal cancer type X. Identifiers: Orphanet 440437, MedGen C3896578, MONDO:0018604.

gnomAD v4.1: 5 of 1,559,806 alleles (0.00032%); highest among the groups gnomAD compares: Non-Finnish European, 0.00043%; no homozygotes.

Submissions (2):

Myriad Genetics, Inc.
Classification: Likely benign for Familial colorectal cancer type X. Last evaluated: 2026-07-31. Review status: criteria provided, single submitter. Criteria: Myriad Autosomal Dominant, Autosomal Recessive and X-Linked Classification Criteria (2023). Collection method: clinical testing. Allele origin: unknown.
Comment: This variant is considered likely benign. This variant is intronic and is not expected to impact mRNA splicing.

Ambry Genetics
Classification: Uncertain significance. Last evaluated: 2026-05-27. Review status: criteria provided, single submitter. Criteria: Ambry Variant Classification Scheme 2023. Collection method: clinical testing. Allele origin: germline.
Comment: The c.3+3G>A intronic variant results from a G to A substitution 3 nucleotides after coding exon 1 in the RPS20 gene. This nucleotide position is well conserved in available vertebrate species. In silico splice site analysis predicts that this alteration will not have any significant effect on splicing. Based on the available evidence, the clinical significance of this variant remains unclear.